The following is an entry in ClinVar:

ClinVar aggregate classification (germline): Uncertain significance (1 of 4 stars; one submission).

Conditions:
Progressive familial heart block type IB (PFHB1B). Identifiers: Orphanet 871, MedGen C1970298, MONDO:0011474, OMIM 604559.

Submission:

Labcorp Genetics (formerly Invitae), Labcorp
Classification: Uncertain significance for Progressive familial heart block type IB. Last evaluated: 2024-10-16. Review status: criteria provided, single submitter. Criteria: Invitae Variant Classification Sherloc (09022015). Collection method: clinical testing. Allele origin: germline.
Comment: This sequence change replaces isoleucine, which is neutral and non-polar, with asparagine, which is neutral and polar, at codon 354 of the TRPM4 protein (p.Ile354Asn). This variant is not present in population databases (gnomAD no frequency). This variant has not been reported in the literature in individuals affected with TRPM4-related conditions. An algorithm developed to predict the effect of missense changes on protein structure and function (PolyPhen-2) suggests that this variant is likely to be tolerated. In summary, the available evidence is currently insufficient to determine the role of this variant in disease. Therefore, it has been classified as a Variant of Uncertain Significance.

NM_017636.4(TRPM4):c.1061T>A (p.Ile354Asn)

Gene: TRPM4 (transient receptor potential cation channel subfamily M member 4; plus strand). Cytogenetic location: 19q13.33.
Variant type: single nucleotide variant.
Coding change: c.1061T>A on transcript NM_017636.4 (MANE Select); coding-DNA position 1061, T replaced by A.
Protein change: p.Ile354Asn; replaces isoleucine 354 with asparagine.
Molecular consequence: missense variant. On other transcripts: 5 prime UTR variant (1), intron variant (1).
Genome position (GRCh38, 1-based): chr19:49,172,019, T>A. VCF-style: chr19-49172019-T-A. GRCh37 (hg19) VCF-style: chr19-49675276-T-A.
Other names: c.1061T>A, p.Ile354Asn (NM_001195227.2); c.716T>A, p.Ile239Asn (NM_001321281.2); c.-493T>A (NM_001321282.2); c.539T>A, p.Ile180Asn (NM_001321283.2); c.201+250T>A (NM_001321285.2); short protein forms I180N, I239N, I354N.
Identifiers: ClinVar variation 3723001 (VCV003723001.2).